The following is an entry in ClinVar:

ClinVar aggregate classification (germline): Pathogenic/Likely pathogenic. Review status: criteria provided, multiple submitters, no conflicts (2 of 4 stars). 3 submissions from 3 submitters: Pathogenic (1); Likely pathogenic (2). Last evaluated 2025-09-02.

Conditions:
Immunodeficiency-centromeric instability-facial anomalies syndrome 1 (ICF1). Identifiers: Orphanet 2268, MedGen C4551557, MONDO:0009454, OMIM 242860.
Centromeric instability of chromosomes 1,9 and 16 and immunodeficiency (ICF1). Also called: CENTROMERIC INSTABILITY, IMMUNODEFICIENCY SYNDROME; IMMUNE DEFICIENCY, VARIABLE, WITH CENTROMERIC INSTABILITY OF CHROMOSOMES 1, 9, AND 16; IMMUNODEFICIENCY SYNDROME, VARIABLE; Immunodeficiency-centromeric instability-facial anomalies. Identifiers: Orphanet 2268, MedGen C0398788, MONDO:0000133.

Allele frequency attached by ClinVar (database versions not stated): gnomAD exomes below 0.00001 and 0.00001; ExAC 0.00001; gnomAD 0.00001; TOPMed 0.00002; 1000 Genomes Project 0.00020; 1000 Genomes Project 30x 0.00031.

Submissions (3):

Labcorp Genetics (formerly Invitae), Labcorp
Classification: Likely pathogenic for Centromeric instability of chromosomes 1,9 and 16 and immunodeficiency. Last evaluated: 2025-09-02. Review status: criteria provided, single submitter. Criteria: Invitae Variant Classification Sherloc (09022015). Collection method: clinical testing. Allele origin: germline.
Comment: This sequence change replaces arginine, which is basic and polar, with cysteine, which is neutral and slightly polar, at codon 826 of the DNMT3B protein (p.Arg826Cys). This variant is present in population databases (rs201579632, gnomAD 0.004%). This missense change has been observed in individual(s) with immunodeficiency-centromeric instability-facial anomalies syndrome (PMID: 17893117, 29659838, 38178268). ClinVar contains an entry for this variant (Variation ID: 803606). Invitae Evidence Modeling of protein sequence and biophysical properties (such as structural, functional, and spatial information, amino acid conservation, physicochemical variation, residue mobility, and thermodynamic stability) indicates that this missense variant is expected to disrupt DNMT3B protein function with a positive predictive value of 95%. This variant disrupts the p.Arg826 amino acid residue in DNMT3B. Other variant(s) that disrupt this residue have been observed in individuals with DNMT3B-related conditions (PMID: 30630233), which suggests that this may be a clinically significant amino acid residue. In summary, the currently available evidence indicates that the variant is pathogenic, but additional data are needed to prove that conclusively. Therefore, this variant has been classified as Likely Pathogenic.

Women's Health and Genetics/Laboratory Corporation of America, LabCorp
Classification: Likely pathogenic for Immunodeficiency-centromeric instability-facial anomalies syndrome 1. Last evaluated: 2024-10-16. Review status: criteria provided, single submitter. Criteria: LabCorp Variant Classification Summary - May 2015. Collection method: clinical testing. Allele origin: germline.
Comment: Variant summary: DNMT3B c.2476C>T (p.Arg826Cys) results in a non-conservative amino acid change in the encoded protein sequence. Five of five in-silico tools predict a damaging effect of the variant on protein function. The variant allele was found at a frequency of 8e-06 in 251400 control chromosomes. c.2476C>T has been reported in the literature in individuals affected with ICF Syndrome and inborn errors of immunity (Hagleitner_2008, Velasco_2014, Simon_2020), and one of these patients was reported as compound heterozygous with a likely pathogenic variant. These data indicate that the variant is likely to be associated with disease. To our knowledge, no experimental evidence demonstrating an impact on protein function has been reported. The following publications have been ascertained in the context of this evaluation (PMID: 30010917, 17893117, 32135276, 29659838). ClinVar contains an entry for this variant (Variation ID: 803606). Based on the evidence outlined above, the variant was classified as likely pathogenic.

Mendelics
Classification: Pathogenic for Immunodeficiency-centromeric instability-facial anomalies syndrome 1. Last evaluated: 2019-05-28. Review status: criteria provided, single submitter. Criteria: Mendelics Assertion Criteria 2017. Collection method: clinical testing. Allele origin: unknown.

Literature cited by the submitters: PubMed 17893117 (cited by Labcorp Genetics (formerly Invitae), Labcorp and Women's Health and Genetics/Laboratory Corporation of America, LabCorp); PubMed 29659838 (cited by Labcorp Genetics (formerly Invitae), Labcorp and Women's Health and Genetics/Laboratory Corporation of America, LabCorp); PubMed 38178268 (cited by Labcorp Genetics (formerly Invitae), Labcorp); PubMed 30630233 (cited by Labcorp Genetics (formerly Invitae), Labcorp); PubMed 30010917 (cited by Women's Health and Genetics/Laboratory Corporation of America, LabCorp); PubMed 32135276 (cited by Women's Health and Genetics/Laboratory Corporation of America, LabCorp).

NM_006892.4(DNMT3B):c.2476C>T (p.Arg826Cys)

Gene: DNMT3B (DNA methyltransferase 3 beta; plus strand). Cytogenetic location: 20q11.21.
Variant type: single nucleotide variant.
Coding change: c.2476C>T on transcript NM_006892.4 (MANE Select); coding-DNA position 2476, C replaced by T.
Protein change: p.Arg826Cys; replaces arginine 826 with cysteine.
Molecular consequence: missense variant.
Genome position (GRCh38, 1-based): chr20:32,807,817, C>T. VCF-style: chr20-32807817-C-T. GRCh37 (hg19) VCF-style: chr20-31395623-C-T.
Other names: c.2101C>T, p.Arg701Cys (NM_001207055.2); c.1999C>T, p.Arg667Cys (NM_001207056.2); c.2416C>T, p.Arg806Cys (NM_175848.2); c.2227C>T, p.Arg743Cys (NM_175849.2); c.2452C>T, p.Arg818Cys (NM_175850.3); short protein forms R806C, R818C, R701C, R743C, R826C, R667C.
Identifiers: ClinVar variation 803606 (VCV000803606.6), dbSNP rs201579632, ClinGen allele CA9810924.